The following is an entry in ClinVar:

ClinVar aggregate classification (germline): Pathogenic (1 of 4 stars; one submission).

Conditions:
alpha Thalassemia. Also called: Alpha thalassemia spectrum. Identifiers: Orphanet 846, MedGen C0002312, MONDO:0011399, OMIM 604131.

Submission:

Natera, Inc.
Classification: Pathogenic for Alpha thalassemia. Last evaluated: 2025-12-16. Review status: criteria provided, single submitter. Criteria: Natera Variant Classification Schema (03/2026). Collection method: clinical testing. Allele origin: germline.
Comment: The c.96-8_109delinsGG variant in HBA2 is a deletion-insertion (delins) variant predicted to replace one or more nucleotides with a different sequence. This variant is expected to result in nonsense mediated decay, truncation, or a dysfunctional protein product. This variant is rare in the general population with a frequency below the threshold expected for the associated phenotype(s). Another variant at this same site results in an alteration predicted to cause a similar molecular effect has been observed in individual(s) with the associated phenotype. Given the available evidence, this variant is classified as Pathogenic.

NM_000517.6(HBA2):c.96-8_109delinsGG

Genes: HBA2 (hemoglobin subunit alpha 2; plus strand), LOC106804612 (hemoglobin subunit alpha 2 recombination region; plus strand). Cytogenetic location: 16p13.3.
Variant type: Indel.
Coding change: c.96-8_109delinsGG on transcript NM_000517.6 (MANE Select); 8 bases into the intron before coding-DNA position 96 through coding-DNA position 109, CCCCGCAGGATGTTCCTGTCCT replaced by GG.
Molecular consequence: splice acceptor variant.
Genome position (GRCh38, 1-based): chr16:173,117-173,138, CCCCGCAGGATGTTCCTGTCCT replaced by GG. VCF-style: chr16-173117-CCCCGCAGGATGTTCCTGTCCT-GG. GRCh37 (hg19) VCF-style: chr16-223116-CCCCGCAGGATGTTCCTGTCCT-GG.
Identifiers: ClinVar variation 4818694 (VCV004818694.1).
Genomic context (GRCh38, chr16:173,117, plus strand): 5'-CACAGGCCACCCTCAACCGTCCTGGCCCCGGACCCAAACCCCACCCCTCACTCTGCTTCT[CCCCGCAGGATGTTCCTGTCCT>GG]TCCCCACCACCAAGACCTACTTCCCGCACTTCGACCTGAGCCACGGCTCTGCCCAGGTTA-3'